The following is an entry in ClinVar:

NM_015047.3(EMC1):c.974C>G (p.Ala325Gly)

Genes: EMC1 (ER membrane protein complex subunit 1; minus strand), EMC1-AS1 (EMC1 antisense RNA 1; plus strand). Cytogenetic location: 1p36.13.
Variant type: single nucleotide variant.
Coding change: c.974C>G on transcript NM_015047.3 (MANE Select); coding-DNA position 974, C replaced by G.
Protein change: p.Ala325Gly; replaces alanine 325 with glycine.
Molecular consequence: missense variant.
Genome position (GRCh38, 1-based): chr1:19,239,283, G>C on the plus strand (C>G on the coding strand, the complement: EMC1 is on the minus strand). VCF-style: chr1-19239283-G-C. GRCh37 (hg19) VCF-style: chr1-19565777-G-C.
Other names: c.974C>G, p.Ala325Gly (NM_001271427.2, NM_001271428.2, NM_001375820.1 and 1 more transcripts); c.908C>G, p.Ala303Gly (NM_001271429.2); short protein forms A303G, A325G.
Identifiers: ClinVar variation 2813948 (VCV002813948.3), dbSNP rs2536775452, ClinGen allele CA338767787.

ClinVar aggregate classification (germline): Uncertain significance (1 of 4 stars; one submission).

Submission:

Labcorp Genetics (formerly Invitae), Labcorp
Classification: Uncertain significance. Last evaluated: 2022-11-12. Review status: criteria provided, single submitter. Criteria: Invitae Variant Classification Sherloc (09022015). Collection method: clinical testing. Allele origin: germline.
Comment: This sequence change replaces alanine, which is neutral and non-polar, with glycine, which is neutral and non-polar, at codon 325 of the EMC1 protein (p.Ala325Gly). This variant is not present in population databases (gnomAD no frequency). This variant has not been reported in the literature in individuals affected with EMC1-related conditions. Advanced modeling of protein sequence and biophysical properties (such as structural, functional, and spatial information, amino acid conservation, physicochemical variation, residue mobility, and thermodynamic stability) performed at Invitae indicates that this missense variant is not expected to disrupt EMC1 protein function. In summary, the available evidence is currently insufficient to determine the role of this variant in disease. Therefore, it has been classified as a Variant of Uncertain Significance.